The following is an entry in ClinVar:

ClinVar aggregate classification (germline): Uncertain significance (1 of 4 stars; one submission).

Submission:

GeneDx
Classification: Uncertain significance. Last evaluated: 2024-11-13. Review status: criteria provided, single submitter. Criteria: GeneDx Variant Classification Process June 2021. Collection method: clinical testing. Allele origin: germline. Affected: yes.
Comment: Not observed at significant frequency in large population cohorts (gnomAD); In silico analysis supports that this missense variant has a deleterious effect on protein structure/function; Has not been previously published as pathogenic or benign to our knowledge

NM_001130021.3(ATP6V0A1):c.1925T>A (p.Val642Asp)

Gene: ATP6V0A1 (ATPase H+ transporting V0 subunit a1; plus strand). Cytogenetic location: 17q21.2.
Variant type: single nucleotide variant.
Coding change: c.1925T>A on transcript NM_001130021.3 (MANE Select); coding-DNA position 1925, T replaced by A.
Protein change: p.Val642Asp; replaces valine 642 with aspartic acid.
Molecular consequence: missense variant.
Genome position (GRCh38, 1-based): chr17:42,501,225, T>A. VCF-style: chr17-42501225-T-A. GRCh37 (hg19) VCF-style: chr17-40653243-T-A.
Other names: c.1946T>A, p.Val649Asp (NM_001130020.3, NM_001378522.1, NM_001378523.1 and 3 more transcripts); c.2048T>A, p.Val683Asp (NM_001378530.1, NM_001378533.1, NM_001378551.1 and 1 more transcripts); c.2069T>A, p.Val690Asp (NM_001378531.1, NM_001378532.1); c.1925T>A, p.Val642Asp (NM_001378535.1, NM_001378537.1, NM_001378542.1 and 3 more transcripts); c.1817T>A, p.Val606Asp (NM_001378536.1, NM_001378550.1, NM_001378556.1); c.1796T>A, p.Val599Asp (NM_001378538.1, NM_001378540.1); c.1766T>A, p.Val589Asp (NM_001378543.1); c.1715T>A, p.Val572Asp (NM_001378545.1, NM_001378554.1); and 3 more; short protein forms V560D, V571D, V572D, V582D, V589D, V599D, V606D, V642D.
Identifiers: ClinVar variation 3900374 (VCV003900374.1).
Genomic context (GRCh38, chr17:42,501,225, plus strand): 5'-TGATGTACCTTGTCCTTCTTCTTACTCTGCAGAAAGGAATTCAGTGTTTCCTGGTAGTGG[T>A]TGCACTACTGTGTGTACCTTGGATGCTGCTGTTTAAACCATTGGTCCTTCGCCGTCAGTA-3'
Protein context (NP_001123493.1, residues 632-652): QKGIQCFLVV[Val642Asp]ALLCVPWMLL